The following is an entry in ClinVar:

NM_001734.5(C1S):c.789C>T (p.Thr263=)

Gene: C1S (complement C1s; plus strand). Cytogenetic location: 12p13.31.
Variant type: single nucleotide variant.
Coding change: c.789C>T on transcript NM_001734.5 (MANE Select); coding-DNA position 789, C replaced by T.
Protein change: p.Thr263=; no amino-acid change (threonine 263 retained).
Molecular consequence: synonymous variant.
Genome position (GRCh38, 1-based): chr12:7,065,888, C>T. VCF-style: chr12-7065888-C-T. GRCh37 (hg19) VCF-style: chr12-7173192-C-T.
Other names: c.288C>T, p.Thr96= (NM_001346850.2); c.789C>T, p.Thr263= (NM_201442.4).
Identifiers: ClinVar variation 4742533 (VCV004742533.1).
Genomic context (GRCh38, chr12:7,065,888, plus strand): 5'-AGATCGGCAATTTGGTCCTTACTGTGGTCATGGATTCCCTGGGCCTCTAAATATTGAAAC[C>T]AAGAGTAATGCTCTTGATATCATCTTCCAAACTGATCTAACAGGGCAAAAAAAGGGCTGG-3'
Protein context (NP_001725.1, residues 253-273): HGFPGPLNIE[Thr263=]KSNALDIIFQ

ClinVar aggregate classification (germline): Uncertain significance (1 of 4 stars; one submission).

gnomAD v4.1: 16 of 1,612,872 alleles (0.00099%); highest among the groups gnomAD compares: Non-Finnish European, 0.0014%; no homozygotes.

Submission:

Labcorp Genetics (formerly Invitae), Labcorp
Classification: Uncertain significance. Last evaluated: 2025-05-15. Review status: criteria provided, single submitter. Criteria: Invitae Variant Classification Sherloc (09022015). Collection method: clinical testing. Allele origin: germline.
Comment: This sequence change affects codon 263 of the C1S mRNA. It is a 'silent' change, meaning that it does not change the encoded amino acid sequence of the C1S protein. This variant is not present in population databases (gnomAD no frequency). This variant has not been reported in the literature in individuals affected with C1S-related conditions. Algorithms developed to predict the effect of sequence changes on RNA splicing suggest that this variant may disrupt the consensus splice site. In summary, the available evidence is currently insufficient to determine the role of this variant in disease. Therefore, it has been classified as a Variant of Uncertain Significance.